The following is an entry in ClinVar:

NM_017841.4(SDHAF2):c.370+2T>C

Gene: SDHAF2 (succinate dehydrogenase complex assembly factor 2; plus strand). Cytogenetic location: 11q12.2.
Variant type: single nucleotide variant.
Coding change: c.370+2T>C on transcript NM_017841.4 (MANE Select); the canonical splice donor site of the intron after coding-DNA position 370, T replaced by C.
Molecular consequence: splice donor variant.
Genome position (GRCh38, 1-based): chr11:61,438,115, T>C. VCF-style: chr11-61438115-T-C. GRCh37 (hg19) VCF-style: chr11-61205587-T-C.
Identifiers: ClinVar variation 984461 (VCV000984461.3), dbSNP rs770444026, ClinGen allele CA058810.
Genomic context (GRCh38, chr11:61,438,115, plus strand): 5'-CTATGACCGCCTGATTAACGAGCCTAGTAATGACTGGGATATTTACTACTGGGCCACAGG[T>C]ACTGGGTATGATAAGCAGCATAATGTGAAAATAGGACAGTTTAGGCTGATTTGAGTCTAG-3'

ClinVar aggregate classification (germline): Uncertain significance. Review status: criteria provided, multiple submitters, no conflicts (2 of 4 stars). 2 submissions from 2 submitters: Uncertain significance (2). Last evaluated 2024-12-23.

Conditions:
Hereditary pheochromocytoma and paraganglioma. Also called: Hereditary pheochromocytoma-paraganglioma; Hereditary Paraganglioma-Pheochromocytoma Syndromes; Hereditary paragangliomas and pheochromocytomas. Identifiers: Orphanet 29072, MedGen C4274332, MONDO:0017366.

Allele frequency attached by ClinVar (database versions not stated): ExAC 0.00001.

Submissions (2):

Labcorp Genetics (formerly Invitae), Labcorp
Classification: Uncertain significance for Hereditary pheochromocytoma and paraganglioma. Last evaluated: 2024-12-23. Review status: criteria provided, single submitter. Criteria: Invitae Variant Classification Sherloc (09022015). Collection method: clinical testing. Allele origin: germline.
Comment: This sequence change affects a donor splice site in intron 3 of the SDHAF2 gene. While this variant is not anticipated to result in nonsense mediated decay, it likely alters RNA splicing and results in a disrupted protein product. This variant is present in population databases (rs770444026, gnomAD 0.006%). This variant has not been reported in the literature in individuals affected with SDHAF2-related conditions. ClinVar contains an entry for this variant (Variation ID: 984461). Variants that disrupt the consensus splice site are a relatively common cause of aberrant splicing (PMID: 17576681, 9536098). Algorithms developed to predict the effect of sequence changes on RNA splicing suggest that this variant may disrupt the consensus splice site. In summary, the available evidence is currently insufficient to determine the role of this variant in disease. Therefore, it has been classified as a Variant of Uncertain Significance.

Women's Health and Genetics/Laboratory Corporation of America, LabCorp
Classification: Uncertain significance. Last evaluated: 2020-10-08. Review status: criteria provided, single submitter. Criteria: LabCorp Variant Classification Summary - May 2015. Collection method: clinical testing. Allele origin: germline.
Comment: Variant summary: SDHAF2 c.370+2T>C is located in a canonical splice-site in the last intron of the gene. While this variant is not predicted to result in nonsense-mediated decay, it may result in a disrupted protein. Several computational tools predict a significant impact on normal splicing: Four predict the variant abolishes a 5' splicing donor site. However, these predictions have yet to be confirmed by functional studies. The variant allele was found at a frequency of 8e-06 in 251468 control chromosomes (gnomAD). To our knowledge, no occurrence of c.370+2T>C in individuals affected with Hereditary Paraganglioma-Pheochromocytoma Syndrome and no experimental evidence demonstrating its impact on protein function have been reported. No clinical diagnostic laboratories have submitted clinical-significance assessments for this variant to ClinVar after 2014. A different variant affecting the same nucleotide (c.370+2T>A) has been cited in ClinVar as uncertain significance by one ClinVar submitter (evaluation after 2014). Based on the evidence outlined above, the variant was classified as uncertain significance.

Literature cited by the submitters: PubMed 17576681 (cited by Labcorp Genetics (formerly Invitae), Labcorp); PubMed 9536098 (cited by Labcorp Genetics (formerly Invitae), Labcorp).